The following is an entry in ClinVar:

ClinVar aggregate classification (germline): Uncertain significance (1 of 4 stars; one submission).

Submission:

Labcorp Genetics (formerly Invitae), Labcorp
Classification: Uncertain significance. Last evaluated: 2022-09-01. Review status: criteria provided, single submitter. Criteria: Invitae Variant Classification Sherloc (09022015). Collection method: clinical testing. Allele origin: germline.
Comment: This sequence change replaces leucine with phenylalanine at codon 531 of the ADAMTS18 protein (p.Leu531Phe). The leucine residue is moderately conserved and there is a small physicochemical difference between leucine and phenylalanine. This variant is not present in population databases (gnomAD no frequency). In summary, the available evidence is currently insufficient to determine the role of this variant in disease. Therefore, it has been classified as a Variant of Uncertain Significance. Algorithms developed to predict the effect of missense changes on protein structure and function are either unavailable or do not agree on the potential impact of this missense change (SIFT: "Not Available"; PolyPhen-2: "Possibly Damaging"; Align-GVGD: "Not Available"). ClinVar contains an entry for this variant (Variation ID: 1477116). This variant has not been reported in the literature in individuals affected with ADAMTS18-related conditions.

NM_199355.4(ADAMTS18):c.1593A>T (p.Leu531Phe)

Gene: ADAMTS18 (ADAM metallopeptidase with thrombospondin type 1 motif 18; minus strand). Cytogenetic location: 16q23.1.
Variant type: single nucleotide variant.
Coding change: c.1593A>T on transcript NM_199355.4 (MANE Select); coding-DNA position 1593, A replaced by T.
Protein change: p.Leu531Phe; replaces leucine 531 with phenylalanine.
Molecular consequence: missense variant.
Genome position (GRCh38, 1-based): chr16:77,353,754, T>A on the plus strand (A>T on the coding strand, the complement: ADAMTS18 is on the minus strand). VCF-style: chr16-77353754-T-A. GRCh37 (hg19) VCF-style: chr16-77387651-T-A.
Other names: c.1077A>T, p.Leu359Phe (NM_001326358.2); short protein forms L531F, L359F.
Identifiers: ClinVar variation 1477116 (VCV001477116.6), dbSNP rs2056588533, ClinGen allele CA396834389.